The following is an entry in ClinVar:

NC_000023.10:g.(?_76776246)_(77113014_?)dup

Genes: ATRX (ATRX chromatin remodeler; minus strand), MAGT1 (magnesium transporter 1; minus strand). Cytogenetic location: Xq21.1.
Variant type: Duplication.
Identifiers: ClinVar variation 3244519 (VCV003244519.1).

ClinVar aggregate classification (germline): Uncertain significance (1 of 4 stars; one submission).

Conditions:
Alpha thalassemia-X-linked intellectual disability syndrome (ATRX). Also called: ALPHA-THALASSEMIA/MENTAL RETARDATION SYNDROME, X-LINKED; ATR, NONDELETION TYPE; ATR-X syndrome; Alpha thalassemia mental retardation syndrome, nondeletion type, X-linked; XLMR hypotonic face syndrome; X-linked alpha-thalassemia-mental retardation syndrome. Identifiers: Orphanet 847, MedGen C1845055, MONDO:0010519, OMIM 301040.

Submission:

Labcorp Genetics (formerly Invitae), Labcorp
Classification: Uncertain significance for Alpha thalassemia-X-linked intellectual disability syndrome. Last evaluated: 2023-06-06. Review status: criteria provided, single submitter. Criteria: Invitae Variant Classification Sherloc (09022015). Collection method: clinical testing. Allele origin: unknown.
Comment: In summary, the available evidence is currently insufficient to determine the role of this variant in disease. Therefore, it has been classified as a Variant of Uncertain Significance. Experimental studies and prediction algorithms are not available or were not evaluated, and the functional significance of this variant is currently unknown. This variant has not been reported in the literature in individuals affected with ATRX-related conditions. This variant results in a copy number gain of the genomic region encompassing exon(s) 1-34 of the ATRX gene. This region includes the initiator codon of the gene. This copy number gain extends beyond the assayed region for this gene and therefore may encompass additional genes. As the precise location of this event is unknown, it may be in tandem or it may be located elsewhere in the genome.